The following is an entry in ClinVar:

NM_213720.3(CHCHD10):c.241T>C (p.Ser81Pro)

Gene: CHCHD10 (coiled-coil-helix-coiled-coil-helix domain containing 10; minus strand). Cytogenetic location: 22q11.23.
Variant type: single nucleotide variant.
Coding change: c.241T>C on transcript NM_213720.3 (MANE Select); coding-DNA position 241, T replaced by C.
Protein change: p.Ser81Pro; replaces serine 81 with proline.
Molecular consequence: missense variant. On other transcripts: non-coding transcript variant (1).
Genome position (GRCh38, 1-based): chr22:23,767,394, A>G on the plus strand (T>C on the coding strand, the complement: CHCHD10 is on the minus strand). VCF-style: chr22-23767394-A-G. GRCh37 (hg19) VCF-style: chr22-24109581-A-G.
Other names: c.241T>C, p.Ser81Pro (NM_001301339.2); short protein forms S81P.
Identifiers: ClinVar variation 2941018 (VCV002941018.3), dbSNP rs1926919863, ClinGen allele CA410915853.

ClinVar aggregate classification (germline): Uncertain significance (1 of 4 stars; one submission).

Conditions:
Lower motor neuron syndrome with late-adult onset (SMAJ). Also called: Spinal muscular atrophy, Jokela type; Late-Onset Spinal Motor Neuronopathy (SMAJ). Identifiers: Orphanet 276435, MedGen C3554398, MONDO:0014025, OMIM 615048.
Autosomal dominant mitochondrial myopathy with exercise intolerance (IMMD). Also called: Myopathy, isolated mitochondrial, autosomal dominant. Identifiers: Orphanet 457050, MedGen C4015513, MONDO:0014532, OMIM 616209.
Frontotemporal dementia and/or amyotrophic lateral sclerosis 2. Also called: FTDALS2. Identifiers: Orphanet 275872, MedGen C4014648, MONDO:0014395, OMIM 615911.

Allele frequency attached by ClinVar (database versions not stated): gnomAD exomes below 0.00001.
gnomAD v4.1: 1 of 1,608,550 alleles (0.000062%); highest among the groups gnomAD compares: Non-Finnish European, 0.000085%; no homozygotes.

Submission:

Labcorp Genetics (formerly Invitae), Labcorp
Classification: Uncertain significance for Lower motor neuron syndrome with late-adult onset; Frontotemporal dementia and/or amyotrophic lateral sclerosis 2; Autosomal dominant mitochondrial myopathy with exercise intolerance. Last evaluated: 2023-04-11. Review status: criteria provided, single submitter. Criteria: Invitae Variant Classification Sherloc (09022015). Collection method: clinical testing. Allele origin: germline.
Comment: This sequence change replaces serine, which is neutral and polar, with proline, which is neutral and non-polar, at codon 81 of the CHCHD10 protein (p.Ser81Pro). This variant is not present in population databases (gnomAD no frequency). This variant has not been reported in the literature in individuals affected with CHCHD10-related conditions. An algorithm developed to predict the effect of missense changes on protein structure and function (PolyPhen-2) suggests that this variant is likely to be tolerated. In summary, the available evidence is currently insufficient to determine the role of this variant in disease. Therefore, it has been classified as a Variant of Uncertain Significance.